The following is an entry in ClinVar:

ClinVar aggregate classification (germline): Uncertain significance (1 of 4 stars; one submission).

Conditions:
Hereditary cancer-predisposing syndrome. Also called: Neoplastic Syndromes, Hereditary; Tumor predisposition; Hereditary Cancer Syndrome; Hereditary neoplastic syndrome. Identifiers: Orphanet 140162, MedGen C0027672, MeSH D009386, MONDO:0015356.

Submission:

Ambry Genetics
Classification: Uncertain significance for Hereditary cancer-predisposing syndrome. Last evaluated: 2024-08-17. Review status: criteria provided, single submitter. Criteria: Ambry Variant Classification Scheme 2023. Collection method: clinical testing. Allele origin: germline.
Comment: The p.H250P variant (also known as c.749A>C), located in coding exon 7 of the APC gene, results from an A to C substitution at nucleotide position 749. The histidine at codon 250 is replaced by proline, an amino acid with similar properties. This amino acid position is conserved. In addition, in silico predictors for this gene do not accurately predict pathogenicity. Based on the available evidence, the clinical significance of this variant remains unclear.

NM_000038.6(APC):c.749A>C (p.His250Pro)

Gene: APC (APC regulator of Wnt signaling pathway; plus strand). Cytogenetic location: 5q22.2.
Variant type: single nucleotide variant.
Coding change: c.749A>C on transcript NM_000038.6 (MANE Select); coding-DNA position 749, A replaced by C.
Protein change: p.His250Pro; replaces histidine 250 with proline.
Molecular consequence: missense variant. On other transcripts: 5 prime UTR variant (4), non-coding transcript variant (2).
Genome position (GRCh38, 1-based): chr5:112,801,298, A>C. VCF-style: chr5-112801298-A-C. GRCh37 (hg19) VCF-style: chr5-112136995-A-C.
Other names: c.749A>C, p.His250Pro (NM_001127510.3, NM_001354895.2, NM_001354896.2 and 12 more transcripts); c.695A>C, p.His232Pro (NM_001127511.3); c.779A>C, p.His260Pro (NM_001354897.2, NM_001354902.2, NM_001407446.1); c.674A>C, p.His225Pro (NM_001354898.2, NM_001354904.2, NM_001407451.1); c.665A>C, p.His222Pro (NM_001354899.2, NM_001407452.1, NM_001407467.1 and 1 more transcripts); c.572A>C, p.His191Pro (NM_001354900.2, NM_001354901.2, NM_001354905.2 and 1 more transcripts); c.-287A>C (NM_001354906.2, NM_001407470.1, NM_001407471.1 and 1 more transcripts); short protein forms H191P, H232P, H222P, H250P, H225P, H260P.
Identifiers: ClinVar variation 3410342 (VCV003410342.1).